The following is an entry in ClinVar:

ClinVar aggregate classification (germline): Uncertain significance (1 of 4 stars; one submission).

Conditions:
Welander distal myopathy (WDM). Also called: Gower's muscular dystrophy; MUSCULAR DYSTROPHY, DISTAL, LATE-ONSET, AUTOSOMAL DOMINANT; Welander distal myopathy, Swedish type; Distal myopathy, Swedish type. Identifiers: Orphanet 603, MedGen C0221054, MONDO:0011466, OMIM 604454.

Allele frequency attached by ClinVar (database versions not stated): gnomAD 0.00001.

Submission:

Labcorp Genetics (formerly Invitae), Labcorp
Classification: Uncertain significance for Welander distal myopathy. Last evaluated: 2023-12-15. Review status: criteria provided, single submitter. Criteria: Invitae Variant Classification Sherloc (09022015). Collection method: clinical testing. Allele origin: germline.
Comment: This sequence change replaces threonine, which is neutral and polar, with isoleucine, which is neutral and non-polar, at codon 42 of the TIA1 protein (p.Thr42Ile). The frequency data for this variant in the population databases is considered unreliable, as metrics indicate poor data quality at this position in the gnomAD database. This variant has not been reported in the literature in individuals affected with TIA1-related conditions. An algorithm developed to predict the effect of missense changes on protein structure and function (PolyPhen-2) suggests that this variant is likely to be tolerated. In summary, the available evidence is currently insufficient to determine the role of this variant in disease. Therefore, it has been classified as a Variant of Uncertain Significance.

NM_022173.4(TIA1):c.125C>T (p.Thr42Ile)

Gene: TIA1 (TIA1 cytotoxic granule associated RNA binding protein; minus strand). Cytogenetic location: 2p13.3.
Variant type: single nucleotide variant.
Coding change: c.125C>T on transcript NM_022173.4 (MANE Select); coding-DNA position 125, C replaced by T.
Protein change: p.Thr42Ile; replaces threonine 42 with isoleucine.
Molecular consequence: missense variant. On other transcripts: 5 prime UTR variant (6), non-coding transcript variant (17).
Genome position (GRCh38, 1-based): chr2:70,230,853, G>A on the plus strand (C>T on the coding strand, the complement: TIA1 is on the minus strand). VCF-style: chr2-70230853-G-A. GRCh37 (hg19) VCF-style: chr2-70457985-G-A.
Other names: c.125C>T, p.Thr42Ile (NM_001351508.2, NM_001351510.2, NM_001351516.2 and 5 more transcripts); c.131C>T, p.Thr44Ile (NM_001351509.2, NM_001351520.2); c.14C>T, p.Thr5Ile (NM_001351511.1, NM_001351513.1); c.20C>T, p.Thr7Ile (NM_001351512.1); c.-71C>T (NM_001351514.2, NM_001351523.2); c.-265C>T (NM_001351515.2); c.-514C>T (NM_001351517.2); c.-291C>T (NM_001351524.2); and 1 more; short protein forms T44I, T7I, T42I, T5I.
Identifiers: ClinVar variation 3001324 (VCV003001324.3), dbSNP rs1389851413, ClinGen allele CA347157927.
Genomic context (GRCh38, chr2:70,230,853, plus strand): 5'-GCTGCAGCTGCATGACGATGCTCATGAAACTCCACAAAACAATAGGGATCATTTCCAGCT[G>A]TCTGTGGGAGAAGAAACACAAAAGCCAATTTTAAGCTTTATTCACCCATTACCTTAAAAT-3'
Protein context (NP_071505.2, residues 32-52): PCKNCKMIMD[Thr42Ile]AGNDPYCFVE